The following is an entry in ClinVar:

ClinVar aggregate classification (germline): Uncertain significance (0 of 4 stars; one submission).

Conditions:
Fanconi anemia complementation group C (FANCC). Also called: Fanconi anemia, group C; FANCONI PANCYTOPENIA, TYPE 3; FACC; FANCC-Related Fanconi Anemia. Identifiers: Orphanet 84, MedGen C3468041, MONDO:0009213, OMIM 227645.

Submission:

Leiden Open Variation Database
Classification: Uncertain significance for Fanconi anemia complementation group C. Last evaluated: 2020-06-25. Review status: no assertion criteria provided. Collection method: curation. Allele origin: germline. Affected: yes.
Comment: Curator: Arleen D. Auerbach. Submitter to LOVD: Arleen D. Auerbach.

Literature cited by the submitters: PubMed 23613520.

NC_000009.12:g.95314147_95322646del

Genes: FANCC (FA complementation group C; minus strand), LOC130002128 (ATAC-STARR-seq lymphoblastoid silent region 20064; plus strand). Cytogenetic location: 9q22.32.
Variant type: Deletion.
Genome position: GRCh38: chr9:95,314,147-95,322,646. GRCh37 (hg19): chr9:98,076,429-98,084,928.
Identifiers: ClinVar variation 932965 (VCV000932965.2), ClinGen allele CA1139661062.